The following is an entry in ClinVar:

ClinVar aggregate classification (germline): Uncertain significance. Review status: criteria provided, multiple submitters, no conflicts (2 of 4 stars). 6 submissions from 6 submitters: Uncertain significance (6). Last evaluated 2026-01-20.

Conditions:
Inborn genetic diseases. Identifiers: MedGen C0950123, MeSH D030342.
Central core myopathy (CMYO1A). Also called: CONGENITAL MYOPATHY 1A, AUTOSOMAL DOMINANT, WITH SUSCEPTIBILITY TO MALIGNANT HYPERTHERMIA; Central core disease; Myopathy, central fibrillar. Identifiers: Orphanet 597, MedGen C5830701, MONDO:0007294, OMIM 117000.
Congenital multicore myopathy with external ophthalmoplegia (CMYO1B). Also called: Minicore myopathy with external ophthalmoplegia; MULTICORE MYOPATHY; MULTIMINICORE DISEASE WITH EXTERNAL OPHTHALMOPLEGIA; Congenital myopathy 1B, autosomal recessive; Minicore myopathy. Identifiers: Orphanet 598, Orphanet 98905, MedGen C1850674, MONDO:0009712, OMIM 255320, HP:0003789.
Congenital myopathy with fiber type disproportion. Also called: Congenital fiber-type disproportion myopathy; Congenital fiber-type disproportion. Identifiers: Orphanet 2020, MedGen C0546264, MONDO:0009711. Inheritance: all.
Malignant hyperthermia, susceptibility to, 1 (MHS1). Also called: Anesthesia related hyperthermia; Malignant hyperpyrexia; Fulminating hyperpyrexia; Pharmacogenic myopathy; Malignant hyperthermia suceptibility 1; RYR1-Related Malignant Hyperthermia Susceptibility. Identifiers: Orphanet 423, MedGen C2930980, MONDO:0007783, OMIM 145600.
King Denborough syndrome (KDS). Identifiers: MedGen C1840365, MONDO:0020485, OMIM 619542.
RYR1-related disorder. Also called: RYR1-related disorders; RYR1-related condition. Identifiers: MedGen CN239331.

Allele frequency attached by ClinVar (database versions not stated): TOPMed 0.00003; gnomAD exomes 0.00004 and 0.00007; gnomAD 0.00005; ExAC 0.00007.
gnomAD v4.1: 68 of 1,611,566 alleles (0.0042%); highest among the groups gnomAD compares: Non-Finnish European, 0.0054%; no homozygotes.

Submissions (6):

Labcorp Genetics (formerly Invitae), Labcorp
Classification: Uncertain significance for RYR1-related disorder. Last evaluated: 2026-01-20. Review status: criteria provided, single submitter. Criteria: Invitae Variant Classification Sherloc (09022015). Collection method: clinical testing. Allele origin: germline.
Comment: This sequence change replaces methionine, which is neutral and non-polar, with isoleucine, which is neutral and non-polar, at codon 2618 of the RYR1 protein (p.Met2618Ile). This variant is present in population databases (rs775112172, gnomAD 0.01%). This variant has not been reported in the literature in individuals affected with RYR1-related conditions. ClinVar contains an entry for this variant (Variation ID: 931921). Invitae Evidence Modeling of protein sequence and biophysical properties (such as structural, functional, and spatial information, amino acid conservation, physicochemical variation, residue mobility, and thermodynamic stability) indicates that this missense variant is not expected to disrupt RYR1 protein function with a negative predictive value of 80%. In summary, the available evidence is currently insufficient to determine the role of this variant in disease. Therefore, it has been classified as a Variant of Uncertain Significance.

Ambry Genetics
Classification: Uncertain significance for Inborn genetic diseases. Last evaluated: 2025-09-01. Review status: criteria provided, single submitter. Criteria: Ambry Variant Classification Scheme 2023. Collection method: clinical testing. Allele origin: germline.

Revvity Omics, Revvity
Classification: Uncertain significance. Last evaluated: 2024-04-09. Review status: criteria provided, single submitter. Criteria: ACMG Guidelines, 2015. Collection method: clinical testing. Allele origin: germline.

Color Diagnostics, LLC DBA Color Health
Classification: Uncertain significance for Malignant hyperthermia, susceptibility to, 1. Last evaluated: 2024-03-06. Review status: criteria provided, single submitter. Criteria: ACMG Guidelines, 2015. Collection method: clinical testing. Allele origin: germline.
Comment: This missense variant replaces methionine with isoleucine at codon 2618 of the RYR1 protein. Computational prediction suggests that this variant may have deleterious impact on protein structure and function. To our knowledge, functional studies have not been reported for this variant. This variant has not been reported in individuals affected with RYR1-related disorders in the literature. This variant has been identified in 21/281088 chromosomes in the general population by the Genome Aggregation Database (gnomAD). The available evidence is insufficient to determine the role of this variant in disease conclusively. Therefore, this variant is classified as a Variant of Uncertain Significance.

Fulgent Genetics
Classification: Uncertain significance for Central core myopathy; Malignant hyperthermia, susceptibility to, 1; Congenital myopathy 4A, autosomal dominant; Congenital multicore myopathy with external ophthalmoplegia; King Denborough syndrome. Last evaluated: 2022-02-24. Review status: criteria provided, single submitter. Criteria: ACMG Guidelines, 2015. Collection method: clinical testing. Allele origin: unknown.

Centre for Mendelian Genomics, University Medical Centre Ljubljana
Classification: Uncertain significance for Congenital myopathy 4A, autosomal dominant. Last evaluated: 2019-01-09. Review status: criteria provided, single submitter. Criteria: ACMG Guidelines, 2015. Collection method: clinical testing. Allele origin: unknown. Affected: yes.
Comment: This variant was classified as: Uncertain significance. The available evidence favors the pathogenic nature of this variant, however the currently available data is insufficient to conclusively support its pathogenic nature. Thus this variant is classified as Uncertain significance - favor pathogenic. The following ACMG criteria were applied in classifying this variant: PM2,PP2,PP3.

NM_000540.3(RYR1):c.7854G>A (p.Met2618Ile)

Gene: RYR1 (ryanodine receptor 1; plus strand). Cytogenetic location: 19q13.2.
Variant type: single nucleotide variant.
Coding change: c.7854G>A on transcript NM_000540.3 (MANE Select); coding-DNA position 7854, G replaced by A.
Protein change: p.Met2618Ile; replaces methionine 2618 with isoleucine.
Molecular consequence: missense variant.
Genome position (GRCh38, 1-based): chr19:38,502,898, G>A. VCF-style: chr19-38502898-G-A. GRCh37 (hg19) VCF-style: chr19-38993538-G-A.
Other names: c.7854G>A, p.Met2618Ile (NM_001042723.2); short protein forms M2618I.
Identifiers: ClinVar variation 931921 (VCV000931921.10), dbSNP rs775112172, ClinGen allele CA070853.
Genomic context (GRCh38, chr19:38,502,898, plus strand): 5'-GGCCTGGACGGGGGATTCTACATCTTGTGCATTGTCCCGCAGGTACATCCGCCCGTCGAT[G>A]CTGCAGCACCTGTTGCGCCGCCTGGTGTTCGACGTGCCCATCCTCAACGAGTTCGCCAAG-3'
Protein context (NP_000531.2, residues 2608-2628): MSLCRYIRPS[Met2618Ile]LQHLLRRLVF